The following is an entry in ClinVar:

NM_001128840.3(CACNA1D):c.5656C>A (p.His1886Asn)

Gene: CACNA1D (calcium voltage-gated channel subunit alpha1 D; plus strand). Cytogenetic location: 3p21.1.
Variant type: single nucleotide variant.
Coding change: c.5656C>A on transcript NM_001128840.3 (MANE Select); coding-DNA position 5656, C replaced by A.
Protein change: p.His1886Asn; replaces histidine 1886 with asparagine.
Molecular consequence: missense variant.
Genome position (GRCh38, 1-based): chr3:53,805,053, C>A. VCF-style: chr3-53805053-C-A. GRCh37 (hg19) VCF-style: chr3-53839080-C-A.
Other names: c.5716C>A, p.His1906Asn (NM_000720.4); c.5584C>A, p.His1862Asn (NM_001128839.3); short protein forms H1862N, H1886N, H1906N.
Identifiers: ClinVar variation 3001051 (VCV003001051.3), dbSNP rs775381790, ClinGen allele CA353254635.
Genomic context (GRCh38, chr3:53,805,053, plus strand): 5'-GGCTACTACAGCAGATACCCAGGCAGAAACATCGACTCTGAGAGGCCCCGAGGCTACCAT[C>A]ATCCCCAAGGATTCTTGGAGGACGATGACTCGCCCGTTTGCTATGATTCACGGAGATCTC-3'
Protein context (NP_001122312.1, residues 1876-1896): IDSERPRGYH[His1886Asn]PQGFLEDDDS

ClinVar aggregate classification (germline): Uncertain significance (1 of 4 stars; one submission).

gnomAD v4.1: 5 of 1,614,084 alleles (0.00031%); highest among the groups gnomAD compares: Non-Finnish European, 0.00042%; no homozygotes.

Submission:

Labcorp Genetics (formerly Invitae), Labcorp
Classification: Uncertain significance. Last evaluated: 2023-02-23. Review status: criteria provided, single submitter. Criteria: Invitae Variant Classification Sherloc (09022015). Collection method: clinical testing. Allele origin: germline.
Comment: This variant is not present in population databases (gnomAD no frequency). In summary, the available evidence is currently insufficient to determine the role of this variant in disease. Therefore, it has been classified as a Variant of Uncertain Significance. An algorithm developed to predict the effect of missense changes on protein structure and function (PolyPhen-2) suggests that this variant is likely to be tolerated. This variant has not been reported in the literature in individuals affected with CACNA1D-related conditions. This sequence change replaces histidine, which is basic and polar, with asparagine, which is neutral and polar, at codon 1906 of the CACNA1D protein (p.His1906Asn).